The following is an entry in ClinVar:

NM_001136191.3(KANK2):c.992G>A (p.Arg331Gln)

Gene: KANK2 (KN motif and ankyrin repeat domains 2; minus strand). Cytogenetic location: 19p13.2.
Variant type: single nucleotide variant.
Coding change: c.992G>A on transcript NM_001136191.3 (MANE Select); coding-DNA position 992, G replaced by A.
Protein change: p.Arg331Gln; replaces arginine 331 with glutamine.
Molecular consequence: missense variant.
Genome position (GRCh38, 1-based): chr19:11,193,088, C>T on the plus strand (G>A on the coding strand, the complement: KANK2 is on the minus strand). VCF-style: chr19-11193088-C-T. GRCh37 (hg19) VCF-style: chr19-11303764-C-T.
Other names: c.992G>A, p.Arg331Gln (NM_001329451.2, NM_001379548.1, NM_001379549.1 and 15 more transcripts); short protein forms R331Q.
Identifiers: ClinVar variation 2179414 (VCV002179414.4), dbSNP rs374248651, ClinGen allele CA9205923.

ClinVar aggregate classification (germline): Uncertain significance (1 of 4 stars; one submission).

Allele frequency attached by ClinVar (database versions not stated): ExAC 0.00001; gnomAD 0.00001; ESP Exome Variant Server 0.00015.

Submission:

Labcorp Genetics (formerly Invitae), Labcorp
Classification: Uncertain significance. Last evaluated: 2022-09-28. Review status: criteria provided, single submitter. Criteria: Invitae Variant Classification Sherloc (09022015). Collection method: clinical testing. Allele origin: germline.
Comment: In summary, the available evidence is currently insufficient to determine the role of this variant in disease. Therefore, it has been classified as a Variant of Uncertain Significance. This sequence change replaces arginine, which is basic and polar, with glutamine, which is neutral and polar, at codon 331 of the KANK2 protein (p.Arg331Gln). This variant is present in population databases (rs374248651, gnomAD 0.009%). This variant has not been reported in the literature in individuals affected with KANK2-related conditions. Algorithms developed to predict the effect of missense changes on protein structure and function are either unavailable or do not agree on the potential impact of this missense change (SIFT: "Tolerated"; PolyPhen-2: "Possibly Damaging"; Align-GVGD: "Class C0").